The following is an entry in ClinVar:

ClinVar aggregate classification (germline): Uncertain significance (1 of 4 stars; one submission).

Allele frequency attached by ClinVar (database versions not stated): ExAC 0.00003; gnomAD 0.00003; gnomAD exomes 0.00004; TOPMed 0.00006; ESP Exome Variant Server 0.00015.
gnomAD v4.1: 56 of 1,566,220 alleles (0.0036%); highest among the groups gnomAD compares: Non-Finnish European, 0.0043%; no homozygotes.

Submission:

Labcorp Genetics (formerly Invitae), Labcorp
Classification: Uncertain significance. Last evaluated: 2023-11-14. Review status: criteria provided, single submitter. Criteria: Invitae Variant Classification Sherloc (09022015). Collection method: clinical testing. Allele origin: germline.
Comment: This sequence change affects codon 492 of the LETM1 mRNA. It is a 'silent' change, meaning that it does not change the encoded amino acid sequence of the LETM1 protein. This variant also falls at the last nucleotide of exon 9, which is part of the consensus splice site for this exon. This variant is present in population databases (rs368161701, gnomAD 0.004%). This variant has not been reported in the literature in individuals affected with LETM1-related conditions. ClinVar contains an entry for this variant (Variation ID: 2166367). Variants that disrupt the consensus splice site are a relatively common cause of aberrant splicing (PMID: 17576681, 9536098). Algorithms developed to predict the effect of sequence changes on RNA splicing suggest that this variant is not likely to affect RNA splicing. In summary, the available evidence is currently insufficient to determine the role of this variant in disease. Therefore, it has been classified as a Variant of Uncertain Significance.

Literature cited by the submitters: PubMed 17576681; PubMed 9536098.

NM_012318.3(LETM1):c.1476G>A (p.Ala492=)

Gene: LETM1 (leucine zipper and EF-hand containing transmembrane protein 1; minus strand). Cytogenetic location: 4p16.3.
Variant type: single nucleotide variant.
Coding change: c.1476G>A on transcript NM_012318.3 (MANE Select); coding-DNA position 1476, G replaced by A.
Protein change: p.Ala492=; no amino-acid change (alanine 492 retained).
Molecular consequence: synonymous variant.
Genome position (GRCh38, 1-based): chr4:1,822,988, C>T on the plus strand (G>A on the coding strand, the complement: LETM1 is on the minus strand). VCF-style: chr4-1822988-C-T. GRCh37 (hg19) VCF-style: chr4-1824715-C-T.
Identifiers: ClinVar variation 2166367 (VCV002166367.4), dbSNP rs368161701, ClinGen allele CA2811271.